The following is an entry in ClinVar:

NM_000057.4(BLM):c.3958C>T (p.Pro1320Ser)

Gene: BLM (BLM RecQ like helicase; plus strand). Cytogenetic location: 15q26.1.
Variant type: single nucleotide variant.
Coding change: c.3958C>T on transcript NM_000057.4 (MANE Select); coding-DNA position 3958, C replaced by T.
Protein change: p.Pro1320Ser; replaces proline 1320 with serine.
Molecular consequence: missense variant.
Genome position (GRCh38, 1-based): chr15:90,811,288, C>T. VCF-style: chr15-90811288-C-T. GRCh37 (hg19) VCF-style: chr15-91354518-C-T.
Other names: c.3958C>T, p.Pro1320Ser (NM_001287246.2); c.3565C>T, p.Pro1189Ser (NM_001287247.2); c.2833C>T, p.Pro945Ser (NM_001287248.2); short protein forms P945S, P1320S, P1189S.
Identifiers: ClinVar variation 2132490 (VCV002132490.4), dbSNP rs1596273579, ClinGen allele CA393850885.

ClinVar aggregate classification (germline): Uncertain significance (1 of 4 stars; one submission).

Conditions:
Bloom syndrome (BLM). Also called: Bloom-Torre-Machacek syndrome. Identifiers: Orphanet 125, MedGen C0005859, MONDO:0008876, OMIM 210900.

Submission:

Labcorp Genetics (formerly Invitae), Labcorp
Classification: Uncertain significance for Bloom syndrome. Last evaluated: 2022-05-01. Review status: criteria provided, single submitter. Criteria: Invitae Variant Classification Sherloc (09022015). Collection method: clinical testing. Allele origin: germline.
Comment: In summary, the available evidence is currently insufficient to determine the role of this variant in disease. Therefore, it has been classified as a Variant of Uncertain Significance. Algorithms developed to predict the effect of missense changes on protein structure and function output the following: SIFT: "Tolerated"; PolyPhen-2: "Benign"; Align-GVGD: "Class C0". The serine amino acid residue is found in multiple mammalian species, which suggests that this missense change does not adversely affect protein function. This variant has not been reported in the literature in individuals affected with BLM-related conditions. This variant is not present in population databases (gnomAD no frequency). This sequence change replaces proline, which is neutral and non-polar, with serine, which is neutral and polar, at codon 1320 of the BLM protein (p.Pro1320Ser).